The following is an entry in ClinVar:

ClinVar aggregate classification (germline): Uncertain significance. Review status: criteria provided, multiple submitters, no conflicts (2 of 4 stars). 6 submissions from 6 submitters: Uncertain significance (6). Last evaluated 2025-05-12.

Conditions:
Inborn genetic diseases. Identifiers: MedGen C0950123, MeSH D030342.
Fanconi anemia (FA). Also called: Fanconi's anemia. Identifiers: Orphanet 84, MedGen C0015625, MeSH D005199, MONDO:0019391.
Fanconi anemia complementation group D2. Also called: FANCD2-Related Fanconi Anemia; FANCONI PANCYTOPENIA, TYPE 4; FANCONI ANEMIA, COMPLEMENTATION GROUP D. Identifiers: Orphanet 84, MedGen C3160738, MONDO:0009214, OMIM 227646.

Allele frequency attached by ClinVar (database versions not stated): ExAC 0.00006; gnomAD 0.00004; TOPMed 0.00002; gnomAD exomes 0.00004.
gnomAD v4.1: 33 of 1,614,114 alleles (0.002%); highest among the groups gnomAD compares: Middle Eastern, 0.049%; no homozygotes.

Submissions (6):

GeneDx
Classification: Uncertain significance. Last evaluated: 2025-05-12. Review status: criteria provided, single submitter. Criteria: GeneDx Variant Classification Process June 2021. Collection method: clinical testing. Allele origin: germline. Affected: yes.
Comment: In silico analysis suggests that this missense variant does not alter protein structure/function; Has not been previously published as pathogenic or benign to our knowledge

Labcorp Genetics (formerly Invitae), Labcorp
Classification: Uncertain significance for Fanconi anemia. Last evaluated: 2024-11-27. Review status: criteria provided, single submitter. Criteria: Invitae Variant Classification Sherloc (09022015). Collection method: clinical testing. Allele origin: germline.
Comment: This sequence change replaces leucine, which is neutral and non-polar, with proline, which is neutral and non-polar, at codon 1463 of the FANCD2 protein (p.Leu1463Pro). This variant is present in population databases (rs767893462, gnomAD 0.01%). This variant has not been reported in the literature in individuals affected with FANCD2-related conditions. This missense change has been observed to co-occur in individuals with a different variant in FANCD2 that has been determined to be pathogenic (internal data), but the significance of this finding is unclear. ClinVar contains an entry for this variant (Variation ID: 849509). Experimental studies and prediction algorithms are not available or were not evaluated, and the functional significance of this variant is currently unknown. In summary, the available evidence is currently insufficient to determine the role of this variant in disease. Therefore, it has been classified as a Variant of Uncertain Significance.

Fulgent Genetics
Classification: Uncertain significance for Fanconi anemia complementation group D2. Last evaluated: 2024-01-11. Review status: criteria provided, single submitter. Criteria: ACMG Guidelines, 2015. Collection method: clinical testing. Allele origin: germline.

Ambry Genetics
Classification: Uncertain significance for Inborn genetic diseases. Last evaluated: 2023-03-16. Review status: criteria provided, single submitter. Criteria: Ambry Variant Classification Scheme 2023. Collection method: clinical testing. Allele origin: germline.

Sema4
Classification: Uncertain significance for Fanconi anemia. Last evaluated: 2021-09-13. Review status: criteria provided, single submitter. Criteria: Sema4 Curation Guidelines. Collection method: curation. Allele origin: germline.
Comment: The FANCD2 c.4388T>C (p.L1463P) variant has not been reported in the literature to our knowledge. It was observed in 1/10080 chromosomes of the Ashkenazi Jewish subpopulation in the large and broad cohorts of the Genome Aggregation Database (PMID: 32461654). The variant has been reported in ClinVar (Variation ID 849509). In silico tools suggest the impact of the variant on protein function is benign, though these predictions have not been confirmed by functional studies. The evidence is insufficient to meet ACMG/AMP criteria for classifying the variant as benign or pathogenic. Thus, the clinical significance of this variant is currently uncertain.

Genetic Services Laboratory, University of Chicago
Classification: Uncertain significance. Last evaluated: 2020-11-02. Review status: criteria provided, single submitter. Criteria: ACMG Guidelines, 2015. Collection method: clinical testing. Allele origin: germline. Affected: no.
Comment: DNA sequence analysis of the FANCD2 gene demonstrated a sequence change, c.4388T>C, in exon 43 that results in an amino acid change, p.Leu1463Pro. This sequence change does not appear to have been previously described in patients with FANCD2-related disorders and has been described in the gnomAD database with a low population frequency of 0.0036% (dbSNP rs767893462). The p.Leu1463Pro change affects a poorly conserved amino acid residue located in a domain of the FANCD2 protein that is not known to be functional. The p.Leu1463Pro substitution appears to be benign using several in-silico pathogenicity prediction tools (SIFT, PolyPhen2, Align GVGD, REVEL). Due to these contrasting evidences and the lack of functional studies, the clinical significance of the p.Leu1463Pro change remains unknown at this time.

NM_001018115.3(FANCD2):c.4281+107T>C

Genes: FANCD2 (FA complementation group D2; plus strand), FANCD2OS (FANCD2 opposite strand; minus strand). Cytogenetic location: 3p25.3.
Variant type: single nucleotide variant.
Coding change: c.4281+107T>C on transcript NM_001018115.3 (MANE Select); 107 bases into the intron after coding-DNA position 4281, T replaced by C.
Molecular consequence: intron variant. On other transcripts: missense variant (2).
Genome position (GRCh38, 1-based): chr3:10,098,922, T>C. VCF-style: chr3-10098922-T-C. GRCh37 (hg19) VCF-style: chr3-10140606-T-C.
Other names: c.4349T>C, p.Leu1450Pro (NM_001374254.1); c.4388T>C, p.Leu1463Pro (NM_033084.6); c.4281+107T>C (NM_001319984.2); c.4170+107T>C (NM_001374253.1); c.*43+5276A>G (NM_173472.2); short protein forms L1450P, L1463P.
Identifiers: ClinVar variation 849509 (VCV000849509.15), dbSNP rs767893462, ClinGen allele CA2250685.